The following is an entry in ClinVar:

ClinVar aggregate classification (germline): Uncertain significance (1 of 4 stars; one submission).

Allele frequency attached by ClinVar (database versions not stated): gnomAD 0.00002; TOPMed 0.00002.
gnomAD v4.1: 4 of 1,613,912 alleles (0.00025%); highest among the groups gnomAD compares: African/African-American, 0.0027%; no homozygotes.

Submission:

Labcorp Genetics (formerly Invitae), Labcorp
Classification: Uncertain significance. Last evaluated: 2025-11-26. Review status: criteria provided, single submitter. Criteria: Invitae Variant Classification Sherloc (09022015). Collection method: clinical testing. Allele origin: germline.
Comment: This sequence change replaces glutamic acid, which is acidic and polar, with lysine, which is basic and polar, at codon 957 of the CACNA1E protein (p.Glu957Lys). This variant is not present in population databases (gnomAD no frequency). This variant has not been reported in the literature in individuals affected with CACNA1E-related conditions. ClinVar contains an entry for this variant (Variation ID: 1917863). Invitae Evidence Modeling of protein sequence and biophysical properties (such as structural, functional, and spatial information, amino acid conservation, physicochemical variation, residue mobility, and thermodynamic stability) has been performed for this missense variant. However, the output from this modeling did not meet the statistical confidence thresholds required to predict the impact of this variant on CACNA1E protein function. In summary, the available evidence is currently insufficient to determine the role of this variant in disease. Therefore, it has been classified as a Variant of Uncertain Significance.

NM_001205293.3(CACNA1E):c.2869G>A (p.Glu957Lys)

Gene: CACNA1E (calcium voltage-gated channel subunit alpha1 E; plus strand). Cytogenetic location: 1q25.3.
Variant type: single nucleotide variant.
Coding change: c.2869G>A on transcript NM_001205293.3 (MANE Select); coding-DNA position 2869, G replaced by A.
Protein change: p.Glu957Lys; replaces glutamic acid 957 with lysine.
Molecular consequence: missense variant.
Genome position (GRCh38, 1-based): chr1:181,732,955, G>A. VCF-style: chr1-181732955-G-A. GRCh37 (hg19) VCF-style: chr1-181702091-G-A.
Other names: c.2869G>A, p.Glu957Lys (NM_000721.4); c.2812G>A, p.Glu938Lys (NM_001205294.2); short protein forms E957K, E938K.
Identifiers: ClinVar variation 1917863 (VCV001917863.5), dbSNP rs1450055994, ClinGen allele CA343619303.
Genomic context (GRCh38, chr1:181,732,955, plus strand): 5'-TCCCGGAGCAGGTCTGCCAGCCAGGAACGCAGTCTGGATGAAGCCATGCCCACTGAAGGG[G>A]AGAAGGACCATGAGCTCAGGGGCAACCATGGTGCCAAGGAGCCAACGATCCAAGAAGAGA-3'
Protein context (NP_001192222.1, residues 947-967): SLDEAMPTEG[Glu957Lys]KDHELRGNHG